The following is an entry in ClinVar:

ClinVar aggregate classification (germline): Uncertain significance (1 of 4 stars; one submission).

Submission:

Labcorp Genetics (formerly Invitae), Labcorp
Classification: Uncertain significance. Last evaluated: 2024-03-26. Review status: criteria provided, single submitter. Criteria: Invitae Variant Classification Sherloc (09022015). Collection method: clinical testing. Allele origin: germline.
Comment: This sequence change replaces lysine, which is basic and polar, with glutamic acid, which is acidic and polar, at codon 169 of the NAA15 protein (p.Lys169Glu). This variant is not present in population databases (gnomAD no frequency). This variant has not been reported in the literature in individuals affected with NAA15-related conditions. An algorithm developed to predict the effect of missense changes on protein structure and function (PolyPhen-2) suggests that this variant is likely to be disruptive. In summary, the available evidence is currently insufficient to determine the role of this variant in disease. Therefore, it has been classified as a Variant of Uncertain Significance.

NM_057175.5(NAA15):c.505A>G (p.Lys169Glu)

Gene: NAA15 (N-alpha-acetyltransferase 15, NatA auxiliary subunit; plus strand). Cytogenetic location: 4q31.1.
Variant type: single nucleotide variant.
Coding change: c.505A>G on transcript NM_057175.5 (MANE Select); coding-DNA position 505, A replaced by G.
Protein change: p.Lys169Glu; replaces lysine 169 with glutamic acid.
Molecular consequence: missense variant.
Genome position (GRCh38, 1-based): chr4:139,342,928, A>G. VCF-style: chr4-139342928-A-G. GRCh37 (hg19) VCF-style: chr4-140264082-A-G.
Other names: c.505A>G, p.Lys169Glu (NM_001410842.1, NM_025085.2); short protein forms K169E.
Identifiers: ClinVar variation 2754521 (VCV002754521.3), dbSNP rs2530375462, ClinGen allele CA358260221.